The following is an entry in ClinVar:

ClinVar aggregate classification (germline): Likely pathogenic (1 of 4 stars; one submission).

Allele frequency attached by ClinVar (database versions not stated): gnomAD exomes below 0.00001.
gnomAD v4.1: 1 of 1,610,656 alleles (0.000062%); no homozygotes.

Submission:

Labcorp Genetics (formerly Invitae), Labcorp
Classification: Likely pathogenic. Last evaluated: 2023-10-14. Review status: criteria provided, single submitter. Criteria: Invitae Variant Classification Sherloc (09022015). Collection method: clinical testing. Allele origin: germline.
Comment: This sequence change affects a donor splice site in intron 6 of the SLC1A4 gene. It is expected to disrupt RNA splicing. Variants that disrupt the donor or acceptor splice site typically lead to a loss of protein function (PMID: 16199547), and loss-of-function variants in SLC1A4 are known to be pathogenic (PMID: 26041762, 27848944, 30125339). This variant is present in population databases (no rsID available, gnomAD 0.004%). This variant has not been reported in the literature in individuals affected with SLC1A4-related conditions. Algorithms developed to predict the effect of sequence changes on RNA splicing suggest that this variant may disrupt the consensus splice site. In summary, the currently available evidence indicates that the variant is pathogenic, but additional data are needed to prove that conclusively. Therefore, this variant has been classified as Likely Pathogenic.

Literature cited by the submitters: PubMed 16199547; PubMed 26041762; PubMed 27848944; PubMed 30125339.

NM_003038.5(SLC1A4):c.1229+1G>A

Gene: SLC1A4 (solute carrier family 1 member 4; plus strand). Cytogenetic location: 2p14.
Variant type: single nucleotide variant.
Coding change: c.1229+1G>A on transcript NM_003038.5 (MANE Select); the canonical splice donor site of the intron after coding-DNA position 1229, G replaced by A.
Molecular consequence: splice donor variant.
Genome position (GRCh38, 1-based): chr2:65,018,266, G>A. VCF-style: chr2-65018266-G-A. GRCh37 (hg19) VCF-style: chr2-65245400-G-A.
Other names: c.569+1G>A (NM_001348406.2, NM_001348407.2); c.335+1G>A (NM_001193493.2).
Identifiers: ClinVar variation 2768321 (VCV002768321.3), dbSNP rs751546336, ClinGen allele CA347010764.